The following is an entry in ClinVar:

NM_002609.4(PDGFRB):c.2170C>G (p.Leu724Val)

Gene: PDGFRB (platelet derived growth factor receptor beta; minus strand). Cytogenetic location: 5q32.
Variant type: single nucleotide variant.
Coding change: c.2170C>G on transcript NM_002609.4 (MANE Select); coding-DNA position 2170, C replaced by G.
Protein change: p.Leu724Val; replaces leucine 724 with valine.
Molecular consequence: missense variant.
Genome position (GRCh38, 1-based): chr5:150,123,055, G>C on the plus strand (C>G on the coding strand, the complement: PDGFRB is on the minus strand). VCF-style: chr5-150123055-G-C. GRCh37 (hg19) VCF-style: chr5-149502618-G-C.
Other names: c.1978C>G, p.Leu660Val (NM_001355016.2); c.1687C>G, p.Leu563Val (NM_001355017.2); short protein forms L563V, L660V, L724V.
Identifiers: ClinVar variation 1708576 (VCV001708576.2), dbSNP rs2481194380, ClinGen allele CA361762815.

ClinVar aggregate classification (germline): Uncertain significance (1 of 4 stars; one submission).

Submission:

GeneDx
Classification: Uncertain significance. Last evaluated: 2022-04-10. Review status: criteria provided, single submitter. Criteria: GeneDx Variant Classification Process June 2021. Collection method: clinical testing. Allele origin: germline. Affected: yes.
Comment: Not observed at significant frequency in large population cohorts (gnomAD); In silico analysis supports that this missense variant does not alter protein structure/function; Has not been previously published as pathogenic or benign to our knowledge